The following is an entry in ClinVar:

NM_001142864.4(PIEZO1):c.1393_1397delinsTGT (p.Leu465fs)

Genes: HSALR1 (HSP90AB1 associated lncRNA 1; plus strand), PIEZO1 (piezo type mechanosensitive ion channel component 1 (Er blood group); minus strand). Cytogenetic location: 16q24.3.
Variant type: Indel.
Coding change: c.1393_1397delinsTGT on transcript NM_001142864.4 (MANE Select); coding-DNA positions 1393 to 1397, CTGTG replaced by TGT.
Protein change: p.Leu465fs; shifts the reading frame from leucine 465.
Molecular consequence: frameshift variant.
Genome position (GRCh38, 1-based): chr16:88,736,308-88,736,312, CACAG replaced by ACA on the plus strand (CTGTG replaced by TGT on the coding strand, the reverse complement: PIEZO1 is on the minus strand). VCF-style: chr16-88736308-CACAG-ACA. GRCh37 (hg19) VCF-style: chr16-88802716-CACAG-ACA.
Other names: short protein forms L465fs.
Identifiers: ClinVar variation 4852654 (VCV004852654.2).
Genomic context (GRCh38, chr16:88,736,308, plus strand): 5'-ATGGCCCACACGTAGCGTAGGCAGCACAGCGTCATCCCATACAGCAGGATGCAGGGCGAG[CACAG>ACA]CATGGCCAGTTGGTGGCGGCTGCGCACCGTCCAGATGAGGCAGGCCCAGAGCAGCAGTAC-3'

ClinVar aggregate classification (germline): Likely pathogenic (1 of 4 stars; one submission).

Submission:

Dasa
Classification: Likely pathogenic. Last evaluated: 2025-03-17. Review status: criteria provided, single submitter. Criteria: DASA Assertion Criteria. Collection method: clinical testing. Allele origin: germline.
Comment: NM_001142864.4(PIEZO1):c.1393_1397delinsTGT (p.Leu465Cysfs*26) is a frameshift variant in PIEZO1 predicted to alter the reading frame and introduce a premature termination codon and is predicted to result in an absent or altered protein product. Loss of function is an established disease mechanism for PIEZO1-associated disorders. Also, this variant is absent from population databases. Based on the currently available evidence, this variant is classified as likely pathogenic.